The following is an entry in ClinVar:

ClinVar aggregate classification (germline): Uncertain significance (1 of 4 stars; one submission).

Submission:

GeneDx
Classification: Uncertain significance. Last evaluated: 2023-01-12. Review status: criteria provided, single submitter. Criteria: GeneDx Variant Classification Process June 2021. Collection method: clinical testing. Allele origin: germline. Affected: yes.
Comment: Not observed at significant frequency in large population cohorts (gnomAD); In silico analysis supports that this missense variant does not alter protein structure/function; Has not been previously published as pathogenic or benign to our knowledge

NM_001162501.2(TNRC6B):c.756C>G (p.Asn252Lys)

Gene: TNRC6B (trinucleotide repeat containing adaptor 6B; plus strand). Cytogenetic location: 22q13.1.
Variant type: single nucleotide variant.
Coding change: c.756C>G on transcript NM_001162501.2 (MANE Select); coding-DNA position 756, C replaced by G.
Protein change: p.Asn252Lys; replaces asparagine 252 with lysine.
Molecular consequence: missense variant. On other transcripts: intron variant (1).
Genome position (GRCh38, 1-based): chr22:40,264,986, C>G. VCF-style: chr22-40264986-C-G. GRCh37 (hg19) VCF-style: chr22-40660990-C-G.
Other names: c.756C>G, p.Asn252Lys (NM_015088.3); c.565+2813C>G (NM_001024843.2); short protein forms N252K.
Identifiers: ClinVar variation 2572864 (VCV002572864.1), dbSNP rs369518020, ClinGen allele CA411627752.
Genomic context (GRCh38, chr22:40,264,986, plus strand): 5'-AGGAAGCACCACTAGTAACAAAGGAAAAGGGAGCCAGTGCCAGTCTGCAAGTTCTGGGAA[C>G]GAATGTAATCTTGGGGTCTGGAAATCTGACCCTAAGGCTAAATCTGTTCAATCTTCCAAC-3'
Protein context (NP_001155973.1, residues 242-262): GSQCQSASSG[Asn252Lys]ECNLGVWKSD